The following is an entry in ClinVar:

ClinVar aggregate classification (germline): Uncertain significance (1 of 4 stars; one submission).

Conditions:
Inborn genetic diseases. Identifiers: MedGen C0950123, MeSH D030342.

Allele frequency attached by ClinVar (database versions not stated): gnomAD exomes below 0.00001.
gnomAD v4.1: 3 of 1,604,456 alleles (0.00019%); highest among the groups gnomAD compares: African/African-American, 0.0013%; no homozygotes.

Submission:

Ambry Genetics
Classification: Uncertain significance for Inborn genetic diseases. Last evaluated: 2021-11-01. Review status: criteria provided, single submitter. Criteria: Ambry Variant Classification Scheme 2023. Collection method: clinical testing. Allele origin: germline.
Comment: The p.A462T variant (also known as c.1384G>A), located in coding exon 10 of the EPAS1 gene, results from a G to A substitution at nucleotide position 1384. The alanine at codon 462 is replaced by threonine, an amino acid with similar properties. This amino acid position is conserved. In addition, this alteration is predicted to be tolerated by in silico analysis. Since supporting evidence is limited at this time, the clinical significance of this alteration remains unclear.

NM_001430.5(EPAS1):c.1384G>A (p.Ala462Thr)

Gene: EPAS1 (endothelial PAS domain protein 1; plus strand). Cytogenetic location: 2p21.
Variant type: single nucleotide variant.
Coding change: c.1384G>A on transcript NM_001430.5 (MANE Select); coding-DNA position 1384, G replaced by A.
Protein change: p.Ala462Thr; replaces alanine 462 with threonine.
Molecular consequence: missense variant.
Genome position (GRCh38, 1-based): chr2:46,378,028, G>A. VCF-style: chr2-46378028-G-A. GRCh37 (hg19) VCF-style: chr2-46605167-G-A.
Other names: short protein forms A462T.
Identifiers: ClinVar variation 1771357 (VCV001771357.2), dbSNP rs1684796693, ClinGen allele CA346703969.
Genomic context (GRCh38, chr2:46,378,028, plus strand): 5'-TTGAGGAGCCACAGCACCCAGAGCGAGGCTGGGAGCCTGCCTGCCTTCACCGTGCCCCAG[G>A]CAGCTGCCCCGGGCAGCACCACCCCCAGTGCCACCAGCAGCAGCAGCAGCTGCTCCACGG-3'
Protein context (NP_001421.2, residues 452-472): GSLPAFTVPQ[Ala462Thr]AAPGSTTPSA